The following is an entry in ClinVar:

NM_004820.5(CYP7B1):c.204G>C (p.Arg68Ser)

Gene: CYP7B1 (cytochrome P450 family 7 subfamily B member 1; minus strand). Cytogenetic location: 8q12.3.
Variant type: single nucleotide variant.
Coding change: c.204G>C on transcript NM_004820.5 (MANE Select); coding-DNA position 204, G replaced by C.
Protein change: p.Arg68Ser; replaces arginine 68 with serine.
Molecular consequence: missense variant.
Genome position (GRCh38, 1-based): chr8:64,624,458, C>G on the plus strand (G>C on the coding strand, the complement: CYP7B1 is on the minus strand). VCF-style: chr8-64624458-C-G. GRCh37 (hg19) VCF-style: chr8-65537015-C-G.
Other names: c.204G>C, p.Arg68Ser (NM_001324112.2); short protein forms R68S.
Identifiers: ClinVar variation 1512980 (VCV001512980.5), dbSNP rs377119798, ClinGen allele CA371338537.

ClinVar aggregate classification (germline): Uncertain significance (1 of 4 stars; one submission).

Conditions:
Spastic paraplegia. Identifiers: MedGen C0037772, HP:0001258.

Submission:

Labcorp Genetics (formerly Invitae), Labcorp
Classification: Uncertain significance for Spastic paraplegia. Last evaluated: 2021-09-01. Review status: criteria provided, single submitter. Criteria: Invitae Variant Classification Sherloc (09022015). Collection method: clinical testing. Allele origin: germline.
Comment: This sequence change replaces arginine with serine at codon 68 of the CYP7B1 protein (p.Arg68Ser). The arginine residue is weakly conserved and there is a moderate physicochemical difference between arginine and serine. This variant is not present in population databases (ExAC no frequency). This variant has not been reported in the literature in individuals affected with CYP7B1-related conditions. Algorithms developed to predict the effect of missense changes on protein structure and function output the following: SIFT: "Tolerated"; PolyPhen-2: "Benign"; Align-GVGD: "Class C0". The serine amino acid residue is found in multiple mammalian species, which suggests that this missense change does not adversely affect protein function. In summary, the available evidence is currently insufficient to determine the role of this variant in disease. Therefore, it has been classified as a Variant of Uncertain Significance.